The following is an entry in ClinVar:

NM_014391.3(ANKRD1):c.805C>T (p.Arg269Ter)

Gene: ANKRD1 (ankyrin repeat domain 1; minus strand). Cytogenetic location: 10q23.31.
Variant type: single nucleotide variant.
Coding change: c.805C>T on transcript NM_014391.3 (MANE Select); coding-DNA position 805, C replaced by T.
Protein change: p.Arg269Ter; replaces arginine 269 with a stop codon.
Molecular consequence: nonsense.
Genome position (GRCh38, 1-based): chr10:90,915,587, G>A on the plus strand (C>T on the coding strand, the complement: ANKRD1 is on the minus strand). VCF-style: chr10-90915587-G-A. GRCh37 (hg19) VCF-style: chr10-92675344-G-A.
Other names: short protein forms R269*.
Identifiers: ClinVar variation 45638 (VCV000045638.10), dbSNP rs397517254, ClinGen allele CA136850.
Genomic context (GRCh38, chr10:90,915,587, plus strand): 5'-TGTTTCCAGTACTTACACAGTTCTTGATGTTGAGATCCGCGCCATACATAATCAGGAGTC[G>A]GATCATCTTATAGCGGTTCAGTCTCACCGCATCATGCAACGGGGTATCTCCTTCCTAGAG-3'

ClinVar aggregate classification (germline): Uncertain significance. Review status: criteria provided, multiple submitters, no conflicts (2 of 4 stars). 3 submissions from 3 submitters: Uncertain significance (3). Last evaluated 2025-12-23.

Conditions:
Cardiomyopathy (CMYO). Also called: Cardiomyopathies. Identifiers: Orphanet 167848, MedGen C0878544, MONDO:0004994, HP:0001638. Inheritance: Various modes of inheritance.
ANKRD1-related dilated cardiomyopathy. Identifiers: MedGen CN119551.

Allele frequency attached by ClinVar (database versions not stated): ExAC 0.00001; gnomAD 0.00001; gnomAD exomes 0.00001; TOPMed 0.00001; 1000 Genomes Project 0.00020; 1000 Genomes Project 30x 0.00031.
gnomAD v4.1: 10 of 1,613,988 alleles (0.00062%); highest among the groups gnomAD compares: Admixed American, 0.012%; no homozygotes.

Submissions (3):

Labcorp Genetics (formerly Invitae), Labcorp
Classification: Uncertain significance for ANKRD1-related dilated cardiomyopathy. Last evaluated: 2025-12-23. Review status: criteria provided, single submitter. Criteria: Invitae Variant Classification Sherloc (09022015). Collection method: clinical testing. Allele origin: germline.
Comment: This sequence change creates a premature translational stop signal (p.Arg269*) in the ANKRD1 gene. While this is not anticipated to result in nonsense mediated decay, it is expected to disrupt the last 51 amino acid(s) of the ANKRD1 protein. This variant is present in population databases (rs397517254, gnomAD 0.009%). This variant has not been reported in the literature in individuals affected with ANKRD1-related conditions. ClinVar contains an entry for this variant (Variation ID: 45638). Experimental studies and prediction algorithms are not available or were not evaluated, and the functional significance of this variant is currently unknown. In summary, the available evidence is currently insufficient to determine the role of this variant in disease. Therefore, it has been classified as a Variant of Uncertain Significance.

CHEO Genetics Diagnostic Laboratory, Children's Hospital of Eastern Ontario
Classification: Uncertain significance for Cardiomyopathy. Last evaluated: 2017-12-05. Review status: criteria provided, single submitter. Criteria: ACMG Guidelines, 2015. Collection method: clinical testing. Allele origin: germline.

Laboratory for Molecular Medicine, Mass General Brigham Personalized Medicine
Classification: Uncertain significance. Last evaluated: 2015-02-17. Review status: criteria provided, single submitter. Criteria: LMM Criteria. Collection method: clinical testing. Allele origin: germline. Observed: 3 variant alleles.
Comment: proposed classification - variant undergoing re-assessment, contact laboratory